The following is an entry in ClinVar:

NM_001257096.2(PAX1):c.1093C>T (p.Leu365Phe)

Gene: PAX1 (paired box 1; plus strand). Cytogenetic location: 20p11.22.
Variant type: single nucleotide variant.
Coding change: c.1093C>T on transcript NM_001257096.2 (MANE Select); coding-DNA position 1093, C replaced by T.
Protein change: p.Leu365Phe; replaces leucine 365 with phenylalanine.
Molecular consequence: missense variant.
Genome position (GRCh38, 1-based): chr20:21,709,255, C>T. VCF-style: chr20-21709255-C-T. GRCh37 (hg19) VCF-style: chr20-21689893-C-T.
Other names: c.1093C>T, p.Leu365Phe (NM_006192.5); short protein forms L365F.
Identifiers: ClinVar variation 2038958 (VCV002038958.4), dbSNP rs1445162730, ClinGen allele CA408499360.

ClinVar aggregate classification (germline): Uncertain significance (1 of 4 stars; one submission).

Submission:

Labcorp Genetics (formerly Invitae), Labcorp
Classification: Uncertain significance. Last evaluated: 2022-12-06. Review status: criteria provided, single submitter. Criteria: Invitae Variant Classification Sherloc (09022015). Collection method: clinical testing. Allele origin: germline.
Comment: This variant is present in population databases (no rsID available, gnomAD 0.003%). This variant has not been reported in the literature in individuals affected with PAX1-related conditions. Advanced modeling of protein sequence and biophysical properties (such as structural, functional, and spatial information, amino acid conservation, physicochemical variation, residue mobility, and thermodynamic stability) performed at Invitae indicates that this missense variant is not expected to disrupt PAX1 protein function. This sequence change replaces leucine, which is neutral and non-polar, with phenylalanine, which is neutral and non-polar, at codon 365 of the PAX1 protein (p.Leu365Phe). In summary, the available evidence is currently insufficient to determine the role of this variant in disease. Therefore, it has been classified as a Variant of Uncertain Significance.